The following is an entry in ClinVar:

NM_033109.5(PNPT1):c.1060A>G (p.Asn354Asp)

Gene: PNPT1 (polyribonucleotide nucleotidyltransferase 1; minus strand). Cytogenetic location: 2p16.1.
Variant type: single nucleotide variant.
Coding change: c.1060A>G on transcript NM_033109.5 (MANE Select); coding-DNA position 1060, A replaced by G.
Protein change: p.Asn354Asp; replaces asparagine 354 with aspartic acid.
Molecular consequence: missense variant.
Genome position (GRCh38, 1-based): chr2:55,667,875, T>C on the plus strand (A>G on the coding strand, the complement: PNPT1 is on the minus strand). VCF-style: chr2-55667875-T-C. GRCh37 (hg19) VCF-style: chr2-55895010-T-C.
Other names: short protein forms N354D.
Identifiers: ClinVar variation 1971731 (VCV001971731.5), dbSNP rs774514583, ClinGen allele CA346929009.

ClinVar aggregate classification (germline): Uncertain significance (1 of 4 stars; one submission).

Submission:

Labcorp Genetics (formerly Invitae), Labcorp
Classification: Uncertain significance. Last evaluated: 2023-12-18. Review status: criteria provided, single submitter. Criteria: Invitae Variant Classification Sherloc (09022015). Collection method: clinical testing. Allele origin: germline.
Comment: This sequence change replaces asparagine, which is neutral and polar, with aspartic acid, which is acidic and polar, at codon 354 of the PNPT1 protein (p.Asn354Asp). This variant is not present in population databases (gnomAD no frequency). This variant has not been reported in the literature in individuals affected with PNPT1-related conditions. ClinVar contains an entry for this variant (Variation ID: 1971731). Advanced modeling of protein sequence and biophysical properties (such as structural, functional, and spatial information, amino acid conservation, physicochemical variation, residue mobility, and thermodynamic stability) performed at Invitae indicates that this missense variant is not expected to disrupt PNPT1 protein function with a negative predictive value of 80%. In summary, the available evidence is currently insufficient to determine the role of this variant in disease. Therefore, it has been classified as a Variant of Uncertain Significance.